The following is an entry in ClinVar:

NM_001281740.3(FHOD3):c.2195C>T (p.Thr732Met)

Gene: FHOD3 (formin homology 2 domain containing 3; plus strand). Cytogenetic location: 18q12.2.
Variant type: single nucleotide variant.
Coding change: c.2195C>T on transcript NM_001281740.3 (MANE Select); coding-DNA position 2195, C replaced by T.
Protein change: p.Thr732Met; replaces threonine 732 with methionine.
Molecular consequence: missense variant.
Genome position (GRCh38, 1-based): chr18:36,693,382, C>T. VCF-style: chr18-36693382-C-T. GRCh37 (hg19) VCF-style: chr18-34273345-C-T.
Other names: c.1619C>T, p.Thr540Met (NM_001281739.3); c.1670C>T, p.Thr557Met (NM_025135.5); short protein forms T540M, T732M, T557M.
Identifiers: ClinVar variation 2455395 (VCV002455395.4), dbSNP rs527769846, ClinGen allele CA8941801.

ClinVar aggregate classification (germline): Conflicting classifications of pathogenicity. Review status: criteria provided, conflicting classifications (1 of 4 stars). 3 submissions from 3 submitters: Uncertain significance (1); Likely benign (2). Last evaluated 2025-07-24.

Conditions:
Inborn genetic diseases. Identifiers: MedGen C0950123, MeSH D030342.

Allele frequency attached by ClinVar (database versions not stated): TOPMed 0.00004; gnomAD 0.00009; ExAC 0.00011; gnomAD exomes 0.00013; 1000 Genomes Project 0.00020; 1000 Genomes Project 30x 0.00031.
gnomAD v4.1: 219 of 1,613,840 alleles (0.014%); highest among the groups gnomAD compares: South Asian, 0.049%; no homozygotes.

Submissions (3):

Molecular Diagnostic Laboratory for Inherited Cardiovascular Disease, Montreal Heart Institute
Classification: Likely benign. Last evaluated: 2025-07-24. Review status: criteria provided, single submitter. Criteria: ACMG Guidelines, 2015. Collection method: clinical testing. Allele origin: germline. Affected: no.
Comment: BP4, BP5

Blueprint Genetics
Classification: Likely benign. Last evaluated: 2024-08-17. Review status: criteria provided, single submitter. Criteria: ACMG Guidelines, 2015. Collection method: clinical testing. Allele origin: germline.

Ambry Genetics
Classification: Uncertain significance for Inborn genetic diseases. Last evaluated: 2023-02-22. Review status: criteria provided, single submitter. Criteria: Ambry Variant Classification Scheme 2023. Collection method: clinical testing. Allele origin: germline.